The following is an entry in ClinVar:

ClinVar aggregate classification (germline): Uncertain significance (1 of 4 stars; one submission).

Conditions:
Inborn genetic diseases. Identifiers: MedGen C0950123, MeSH D030342.

Allele frequency attached by ClinVar (database versions not stated): gnomAD exomes below 0.00001; ExAC 0.00001.
gnomAD v4.1: 1 of 1,611,786 alleles (0.000062%); highest among the groups gnomAD compares: Non-Finnish European, 0.000085%; no homozygotes.

Submission:

Ambry Genetics
Classification: Uncertain significance for Inborn genetic diseases. Last evaluated: 2021-07-07. Review status: criteria provided, single submitter. Criteria: Ambry Variant Classification Scheme 2023. Collection method: clinical testing. Allele origin: germline.
Comment: The p.I733M variant (also known as c.2199C>G), located in coding exon 13 of the CDH2 gene, results from a C to G substitution at nucleotide position 2199. The isoleucine at codon 733 is replaced by methionine, an amino acid with highly similar properties. This amino acid position is conserved. In addition, the in silico prediction for this alteration is inconclusive. Since supporting evidence is limited at this time, the clinical significance of this alteration remains unclear.

NM_001792.5(CDH2):c.2199C>G (p.Ile733Met)

Gene: CDH2 (cadherin 2; minus strand). Cytogenetic location: 18q12.1.
Variant type: single nucleotide variant.
Coding change: c.2199C>G on transcript NM_001792.5 (MANE Select); coding-DNA position 2199, C replaced by G.
Protein change: p.Ile733Met; replaces isoleucine 733 with methionine.
Molecular consequence: missense variant.
Genome position (GRCh38, 1-based): chr18:27,985,010, G>C on the plus strand (C>G on the coding strand, the complement: CDH2 is on the minus strand). VCF-style: chr18-27985010-G-C. GRCh37 (hg19) VCF-style: chr18-25564974-G-C.
Other names: c.2106C>G, p.Ile702Met (NM_001308176.2); short protein forms I733M, I702M.
Identifiers: ClinVar variation 1787529 (VCV001787529.2), dbSNP rs765163872, ClinGen allele CA8923218.